The following is an entry in ClinVar:

NM_145038.5(DRC1):c.1524G>C (p.Glu508Asp)

Gene: DRC1 (dynein regulatory complex subunit 1; plus strand). Cytogenetic location: 2p23.3.
Variant type: single nucleotide variant.
Coding change: c.1524G>C on transcript NM_145038.5 (MANE Select); coding-DNA position 1524, G replaced by C.
Protein change: p.Glu508Asp; replaces glutamic acid 508 with aspartic acid.
Molecular consequence: missense variant.
Genome position (GRCh38, 1-based): chr2:26,450,010, G>C. VCF-style: chr2-26450010-G-C. GRCh37 (hg19) VCF-style: chr2-26672878-G-C.
Other names: short protein forms E508D.
Identifiers: ClinVar variation 641907 (VCV000641907.11), dbSNP rs753664425, ClinGen allele CA346115365.

ClinVar aggregate classification (germline): Uncertain significance (1 of 4 stars; one submission).

Conditions:
Primary ciliary dyskinesia. Also called: Ciliary dyskinesia. Identifiers: Orphanet 244, MedGen C0008780, MONDO:0016575, HP:0012265.

Allele frequency attached by ClinVar (database versions not stated): TOPMed below 0.00001.
gnomAD v4.1: 2 of 1,613,844 alleles (0.00012%); highest among the groups gnomAD compares: Non-Finnish European, 0.00017%; no homozygotes.

Submission:

Labcorp Genetics (formerly Invitae), Labcorp
Classification: Uncertain significance for Primary ciliary dyskinesia. Last evaluated: 2019-07-15. Review status: criteria provided, single submitter. Criteria: Invitae Variant Classification Sherloc (09022015). Collection method: clinical testing. Allele origin: germline.
Comment: This sequence change replaces glutamic acid with aspartic acid at codon 508 of the DRC1 protein (p.Glu508Asp). The glutamic acid residue is highly conserved and there is a small physicochemical difference between glutamic acid and aspartic acid. This variant is not present in population databases (ExAC no frequency). This variant has not been reported in the literature in individuals with DRC1-related disease. Algorithms developed to predict the effect of missense changes on protein structure and function (SIFT, PolyPhen-2, Align-GVGD) all suggest that this variant is likely to be tolerated, but these predictions have not been confirmed by published functional studies and their clinical significance is uncertain. In summary, the available evidence is currently insufficient to determine the role of this variant in disease. Therefore, it has been classified as a Variant of Uncertain Significance.